The following is an entry in ClinVar:

NM_018112.3(TMEM38B):c.185G>A (p.Gly62Glu)

Gene: TMEM38B (transmembrane protein 38B; plus strand). Cytogenetic location: 9q31.2.
Variant type: single nucleotide variant.
Coding change: c.185G>A on transcript NM_018112.3 (MANE Select); coding-DNA position 185, G replaced by A.
Protein change: p.Gly62Glu; replaces glycine 62 with glutamic acid.
Molecular consequence: missense variant.
Genome position (GRCh38, 1-based): chr9:105,705,669, G>A. VCF-style: chr9-105705669-G-A. GRCh37 (hg19) VCF-style: chr9-108467950-G-A.
Other names: c.185G>A (NM_018112.1); short protein forms G62E.
Identifiers: ClinVar variation 2065239 (VCV002065239.5), dbSNP rs1475715558, ClinGen allele CA374378704.

ClinVar aggregate classification (germline): Uncertain significance. Review status: criteria provided, multiple submitters, no conflicts (2 of 4 stars). 2 submissions from 2 submitters: Uncertain significance (2). Last evaluated 2025-06-23.

Conditions:
Inborn genetic diseases. Identifiers: MedGen C0950123, MeSH D030342.

Allele frequency attached by ClinVar (database versions not stated): gnomAD exomes below 0.00001; TOPMed 0.00001.

Submissions (2):

Labcorp Genetics (formerly Invitae), Labcorp
Classification: Uncertain significance. Last evaluated: 2025-06-23. Review status: criteria provided, single submitter. Criteria: Invitae Variant Classification Sherloc (09022015). Collection method: clinical testing. Allele origin: germline.
Comment: This sequence change replaces glycine, which is neutral and non-polar, with glutamic acid, which is acidic and polar, at codon 62 of the TMEM38B protein (p.Gly62Glu). This variant is not present in population databases (gnomAD no frequency). This variant has not been reported in the literature in individuals affected with TMEM38B-related conditions. ClinVar contains an entry for this variant (Variation ID: 2065239). An algorithm developed to predict the effect of missense changes on protein structure and function (PolyPhen-2) suggests that this variant is likely to be disruptive. In summary, the available evidence is currently insufficient to determine the role of this variant in disease. Therefore, it has been classified as a Variant of Uncertain Significance.

Ambry Genetics
Classification: Uncertain significance for Inborn genetic diseases. Last evaluated: 2025-04-19. Review status: criteria provided, single submitter. Criteria: Ambry Variant Classification Scheme 2023. Collection method: clinical testing. Allele origin: germline.